The following is an entry in ClinVar:

NM_198578.4(LRRK2):c.653A>C (p.Glu218Ala)

Gene: LRRK2 (leucine rich repeat kinase 2; plus strand). Cytogenetic location: 12q12.
Variant type: single nucleotide variant.
Coding change: c.653A>C on transcript NM_198578.4 (MANE Select); coding-DNA position 653, A replaced by C.
Protein change: p.Glu218Ala; replaces glutamic acid 218 with alanine.
Molecular consequence: missense variant.
Genome position (GRCh38, 1-based): chr12:40,240,564, A>C. VCF-style: chr12-40240564-A-C. GRCh37 (hg19) VCF-style: chr12-40634366-A-C.
Other names: short protein forms E218A.
Identifiers: ClinVar variation 1754092 (VCV001754092.2), dbSNP rs2499436513, ClinGen allele CA384404817.

ClinVar aggregate classification (germline): Uncertain significance (1 of 4 stars; one submission).

Conditions:
Inborn genetic diseases. Identifiers: MedGen C0950123, MeSH D030342.

Submission:

Ambry Genetics
Classification: Uncertain significance for Inborn genetic diseases. Last evaluated: 2022-02-24. Review status: criteria provided, single submitter. Criteria: Ambry Variant Classification Scheme 2023. Collection method: clinical testing. Allele origin: germline.
Comment: The p.E218A variant (also known as c.653A>C), located in coding exon 6 of the LRRK2 gene, results from an A to C substitution at nucleotide position 653. The glutamic acid at codon 218 is replaced by alanine, an amino acid with dissimilar properties. This amino acid position is conserved. In addition, this alteration is predicted to be tolerated by in silico analysis. Since supporting evidence is limited at this time, the clinical significance of this alteration remains unclear.